The following is an entry in ClinVar:

ClinVar aggregate classification (germline): Uncertain significance. Review status: criteria provided, multiple submitters, no conflicts (2 of 4 stars). 2 submissions from 2 submitters: Uncertain significance (2). Last evaluated 2025-07-22.

Conditions:
Progressive familial heart block type IB (PFHB1B). Identifiers: Orphanet 871, MedGen C1970298, MONDO:0011474, OMIM 604559.
Cardiovascular phenotype. Identifiers: MedGen CN230736.

Submissions (2):

Labcorp Genetics (formerly Invitae), Labcorp
Classification: Uncertain significance for Progressive familial heart block type IB. Last evaluated: 2025-07-22. Review status: criteria provided, single submitter. Criteria: Invitae Variant Classification Sherloc (09022015). Collection method: clinical testing. Allele origin: germline.
Comment: This sequence change replaces tyrosine, which is neutral and polar, with phenylalanine, which is neutral and non-polar, at codon 818 of the TRPM4 protein (p.Tyr818Phe). This variant is not present in population databases (gnomAD no frequency). This variant has not been reported in the literature in individuals affected with TRPM4-related conditions. ClinVar contains an entry for this variant (Variation ID: 2095811). An algorithm developed to predict the effect of missense changes on protein structure and function (PolyPhen-2) suggests that this variant is likely to be disruptive. In summary, the available evidence is currently insufficient to determine the role of this variant in disease. Therefore, it has been classified as a Variant of Uncertain Significance.

Ambry Genetics
Classification: Uncertain significance for Cardiovascular phenotype. Last evaluated: 2025-05-24. Review status: criteria provided, single submitter. Criteria: Ambry Variant Classification Scheme 2023. Collection method: clinical testing. Allele origin: germline.
Comment: The p.Y818F variant (also known as c.2453A>T), located in coding exon 17 of the TRPM4 gene, results from an A to T substitution at nucleotide position 2453. The tyrosine at codon 818 is replaced by phenylalanine, an amino acid with highly similar properties. This amino acid position is conserved. In addition, the in silico prediction for this alteration is inconclusive. Based on the available evidence, the clinical significance of this variant remains unclear.

NM_017636.4(TRPM4):c.2453A>T (p.Tyr818Phe)

Gene: TRPM4 (transient receptor potential cation channel subfamily M member 4; plus strand). Cytogenetic location: 19q13.33.
Variant type: single nucleotide variant.
Coding change: c.2453A>T on transcript NM_017636.4 (MANE Select); coding-DNA position 2453, A replaced by T.
Protein change: p.Tyr818Phe; replaces tyrosine 818 with phenylalanine.
Molecular consequence: missense variant. On other transcripts: intron variant (1).
Genome position (GRCh38, 1-based): chr19:49,196,682, A>T. VCF-style: chr19-49196682-A-T. GRCh37 (hg19) VCF-style: chr19-49699939-A-T.
Other names: c.2453A>T (NM_017636.3); c.2108A>T, p.Tyr703Phe (NM_001321281.2); c.845A>T, p.Tyr282Phe (NM_001321282.2); c.1931A>T, p.Tyr644Phe (NM_001321283.2); c.1391A>T, p.Tyr464Phe (NM_001321285.2); c.2211-3618A>T (NM_001195227.2); short protein forms Y818F, Y464F, Y703F, Y282F, Y644F.
Identifiers: ClinVar variation 2095811 (VCV002095811.5), dbSNP rs761147699, ClinGen allele CA406809256.
Genomic context (GRCh38, chr19:49,196,682, plus strand): 5'-CGCGGGTGCTGCTCGTGGATTTCCAGCCGGCGCCGCCCGGCTCCCTGGAGCTGCTGCTCT[A>T]TTTCTGGGCTTTCACGCTGCTGTGCGAGGAACTGCGCCAGGGCCTGAGCGGAGGCGGGGG-3'
Protein context (NP_060106.2, residues 808-828): APPGSLELLL[Tyr818Phe]FWAFTLLCEE